The following is an entry in ClinVar:

NM_004153.4(ORC1):c.479G>A (p.Trp160Ter)

Gene: ORC1 (origin recognition complex subunit 1; minus strand). Cytogenetic location: 1p32.3.
Variant type: single nucleotide variant.
Coding change: c.479G>A on transcript NM_004153.4 (MANE Select); coding-DNA position 479, G replaced by A.
Protein change: p.Trp160Ter; replaces tryptophan 160 with a stop codon.
Molecular consequence: nonsense.
Genome position (GRCh38, 1-based): chr1:52,396,288, C>T on the plus strand (G>A on the coding strand, the complement: ORC1 is on the minus strand). VCF-style: chr1-52396288-C-T. GRCh37 (hg19) VCF-style: chr1-52861960-C-T.
Other names: c.479G>A, p.Trp160Ter (NM_001190818.2, NM_001190819.2); short protein forms W160*.
Identifiers: ClinVar variation 4723354 (VCV004723354.1).
Genomic context (GRCh38, chr1:52,396,288, plus strand): 5'-TGTGGTTTATTCAACTCCGCAAATAGTTCTGAGGAAAGTGGCCTGAATTTCTTCTCATTC[C>T]AGGATAGTTTCACAAAGAGTGTCTTCTCATTTTTCAGATTCGTCGGTACCACATCCTTTG-3'

ClinVar aggregate classification (germline): Pathogenic (1 of 4 stars; one submission).

Submission:

Labcorp Genetics (formerly Invitae), Labcorp
Classification: Pathogenic. Last evaluated: 2025-07-16. Review status: criteria provided, single submitter. Criteria: Invitae Variant Classification Sherloc (09022015). Collection method: clinical testing. Allele origin: germline.
Comment: This sequence change creates a premature translational stop signal (p.Trp160*) in the ORC1 gene. It is expected to result in an absent or disrupted protein product. Loss-of-function variants in ORC1 are known to be pathogenic (PMID: 21358633). This variant is not present in population databases (gnomAD no frequency). This variant has not been reported in the literature in individuals affected with ORC1-related conditions. For these reasons, this variant has been classified as Pathogenic.

Literature cited by the submitters: PubMed 21358633.